The following is an entry in ClinVar:

NM_015158.5(KANK1):c.2416G>C (p.Glu806Gln)

Gene: KANK1 (KN motif and ankyrin repeat domains 1; plus strand). Cytogenetic location: 9p24.3.
Variant type: single nucleotide variant.
Coding change: c.2416G>C on transcript NM_015158.5 (MANE Select); coding-DNA position 2416, G replaced by C.
Protein change: p.Glu806Gln; replaces glutamic acid 806 with glutamine.
Molecular consequence: missense variant. On other transcripts: non-coding transcript variant (1).
Genome position (GRCh38, 1-based): chr9:713,182, G>C. VCF-style: chr9-713182-G-C. GRCh37 (hg19) VCF-style: chr9-713182-G-C.
Other names: c.2416G>C, p.Glu806Gln (NM_001256876.3, NM_001256877.3, NM_001354331.2 and 2 more transcripts); c.1942G>C, p.Glu648Gln (NM_001354333.2, NM_001354335.2, NM_001354336.2 and 9 more transcripts); short protein forms E648Q, E806Q.
Identifiers: ClinVar variation 2191303 (VCV002191303.4), dbSNP rs1453343061, ClinGen allele CA372750224.
Genomic context (GRCh38, chr9:713,182, plus strand): 5'-TTGACTGTGGGGCTGACAGCCAGCAGAAGGAGCGTGGGGGTTGGGGATGACCCTGTAGGG[G>C]AATCTCTGGAGAACCCCCAGCCTCAAGCTCCACTTGGAATGATGACTGGCCTGGATCACT-3'
Protein context (NP_055973.2, residues 796-816): SVGVGDDPVG[Glu806Gln]SLENPQPQAP

ClinVar aggregate classification (germline): Uncertain significance (1 of 4 stars; one submission).

Allele frequency attached by ClinVar (database versions not stated): gnomAD 0.00001; TOPMed 0.00002.
gnomAD v4.1: 6 of 1,585,134 alleles (0.00038%); highest among the groups gnomAD compares: African/African-American, 0.0013%; no homozygotes.

Submission:

Labcorp Genetics (formerly Invitae), Labcorp
Classification: Uncertain significance. Last evaluated: 2025-03-17. Review status: criteria provided, single submitter. Criteria: Invitae Variant Classification Sherloc (09022015). Collection method: clinical testing. Allele origin: germline.
Comment: This sequence change replaces glutamic acid, which is acidic and polar, with glutamine, which is neutral and polar, at codon 806 of the KANK1 protein (p.Glu806Gln). This variant is present in population databases (no rsID available, gnomAD 0.0009%). This variant has not been reported in the literature in individuals affected with KANK1-related conditions. ClinVar contains an entry for this variant (Variation ID: 2191303). Invitae Evidence Modeling of protein sequence and biophysical properties (such as structural, functional, and spatial information, amino acid conservation, physicochemical variation, residue mobility, and thermodynamic stability) indicates that this missense variant is not expected to disrupt KANK1 protein function with a negative predictive value of 80%. In summary, the available evidence is currently insufficient to determine the role of this variant in disease. Therefore, it has been classified as a Variant of Uncertain Significance.